The following is an entry in ClinVar:

ClinVar aggregate classification (germline): Uncertain significance. Review status: criteria provided, multiple submitters, no conflicts (2 of 4 stars). 2 submissions from 2 submitters: Uncertain significance (2). Last evaluated 2025-10-14.

Conditions:
Orofaciodigital syndrome type 6 (OFD6). Also called: VARADI SYNDROME; VARADI-PAPP SYNDROME; OROFACIODIGITAL SYNDROME VI; OFDS VI; POLYDACTYLY, CLEFT LIP/PALATE OR LINGUAL LUMP, AND PSYCHOMOTOR RETARDATION; Oral-facial-digital syndrome type 6. Identifiers: Orphanet 2754, MedGen C2745997, MONDO:0010176, OMIM 277170.
Joubert syndrome 17 (JBTS17). Identifiers: Orphanet 475, MedGen C3553264, MONDO:0013824, OMIM 614615.

Allele frequency attached by ClinVar (database versions not stated): ExAC 0.00003; 1000 Genomes Project 30x 0.00016; 1000 Genomes Project 0.00020.
gnomAD v4.1: 66 of 1,614,200 alleles (0.0041%); highest among the groups gnomAD compares: Admixed American, 0.0067%; no homozygotes.

Submissions (2):

Labcorp Genetics (formerly Invitae), Labcorp
Classification: Uncertain significance. Last evaluated: 2025-10-14. Review status: criteria provided, single submitter. Criteria: Invitae Variant Classification Sherloc (09022015). Collection method: clinical testing. Allele origin: germline.
Comment: This sequence change replaces aspartic acid, which is acidic and polar, with valine, which is neutral and non-polar, at codon 2223 of the CPLANE1 protein (p.Asp2223Val). This variant is present in population databases (rs538086941, gnomAD 0.009%). This variant has not been reported in the literature in individuals affected with CPLANE1-related conditions. ClinVar contains an entry for this variant (Variation ID: 1417103). Invitae Evidence Modeling of protein sequence and biophysical properties (such as structural, functional, and spatial information, amino acid conservation, physicochemical variation, residue mobility, and thermodynamic stability) indicates that this missense variant is not expected to disrupt CPLANE1 protein function with a negative predictive value of 95%. In summary, the available evidence is currently insufficient to determine the role of this variant in disease. Therefore, it has been classified as a Variant of Uncertain Significance.

Fulgent Genetics
Classification: Uncertain significance for Orofaciodigital syndrome type 6; Joubert syndrome 17. Last evaluated: 2022-05-13. Review status: criteria provided, single submitter. Criteria: ACMG Guidelines, 2015. Collection method: clinical testing. Allele origin: unknown.

NM_001384732.1(CPLANE1):c.6668A>T (p.Asp2223Val)

Gene: CPLANE1 (ciliogenesis and planar polarity effector complex subunit 1; minus strand). Cytogenetic location: 5p13.2.
Variant type: single nucleotide variant.
Coding change: c.6668A>T on transcript NM_001384732.1 (MANE Select); coding-DNA position 6668, A replaced by T.
Protein change: p.Asp2223Val; replaces aspartic acid 2223 with valine.
Molecular consequence: missense variant.
Genome position (GRCh38, 1-based): chr5:37,169,356, T>A on the plus strand (A>T on the coding strand, the complement: CPLANE1 is on the minus strand). VCF-style: chr5-37169356-T-A. GRCh37 (hg19) VCF-style: chr5-37169458-T-A.
Other names: c.6668A>T, p.Asp2223Val (NM_023073.4); short protein forms D2223V.
Identifiers: ClinVar variation 1417103 (VCV001417103.5), dbSNP rs538086941, ClinGen allele CA3238203.